The following is an entry in ClinVar:

ClinVar aggregate classification (germline): Uncertain significance (1 of 4 stars; one submission).

Conditions:
Episodic ataxia type 2 (EA2). Also called: ATAXIA, EPISODIC, WITH NYSTAGMUS; ATAXIA, FAMILIAL PAROXYSMAL; CEREBELLAR ATAXIA, PAROXYSMAL, ACETAZOLAMIDE-RESPONSIVE; CEREBELLOPATHY, HEREDITARY PAROXYSMAL; ACETAZOLAMIDE-RESPONSIVE HEREDITARY PAROXYSMAL CEREBELLAR ATAXIA; EPISODIC ATAXIA, NYSTAGMUS-ASSOCIATED. Identifiers: Orphanet 97, MedGen C1720416, MONDO:0007163, OMIM 108500.
Developmental and epileptic encephalopathy, 42 (DEE42A). Also called: EPILEPTIC ENCEPHALOPATHY, EARLY INFANTILE, 42A; Epileptic encephalopathy, early infantile, 42; DEVELOPMENTAL AND EPILEPTIC ENCEPHALOPATHY 42A. Identifiers: MedGen C4310716, MONDO:0014917, OMIM 617106.

Submission:

Labcorp Genetics (formerly Invitae), Labcorp
Classification: Uncertain significance for Developmental and epileptic encephalopathy, 42; Episodic ataxia type 2. Last evaluated: 2022-05-27. Review status: criteria provided, single submitter. Criteria: Invitae Variant Classification Sherloc (09022015). Collection method: clinical testing. Allele origin: germline.
Comment: In summary, the available evidence is currently insufficient to determine the role of this variant in disease. Therefore, it has been classified as a Variant of Uncertain Significance. Advanced modeling of protein sequence and biophysical properties (such as structural, functional, and spatial information, amino acid conservation, physicochemical variation, residue mobility, and thermodynamic stability) performed at Invitae indicates that this missense variant is not expected to disrupt CACNA1A protein function. This variant has not been reported in the literature in individuals affected with CACNA1A-related conditions. This variant is not present in population databases (gnomAD no frequency). This sequence change replaces threonine, which is neutral and polar, with proline, which is neutral and non-polar, at codon 2176 of the CACNA1A protein (p.Thr2176Pro).

NM_001127222.2(CACNA1A):c.6523A>C (p.Thr2175Pro)

Gene: CACNA1A (calcium voltage-gated channel subunit alpha1 A; minus strand). Cytogenetic location: 19p13.13.
Variant type: single nucleotide variant.
Coding change: c.6523A>C on transcript NM_001127222.2 (MANE Select); coding-DNA position 6523, A replaced by C.
Protein change: p.Thr2175Pro; replaces threonine 2175 with proline.
Molecular consequence: missense variant.
Genome position (GRCh38, 1-based): chr19:13,209,315, T>G on the plus strand (A>C on the coding strand, the complement: CACNA1A is on the minus strand). VCF-style: chr19-13209315-T-G. GRCh37 (hg19) VCF-style: chr19-13320129-T-G.
Other names: c.6541A>C, p.Thr2181Pro (NM_000068.4, NM_023035.3); c.6526A>C, p.Thr2176Pro (NM_001127221.2); c.6532A>C, p.Thr2178Pro (NM_001174080.2); short protein forms T2181P, T2176P, T2178P, T2175P.
Identifiers: ClinVar variation 1999688 (VCV001999688.4), dbSNP rs2512519919, ClinGen allele CA404330719.